The following is an entry in ClinVar:

ClinVar aggregate classification (germline): Pathogenic. Review status: criteria provided, multiple submitters, no conflicts (2 of 4 stars). 3 submissions from 3 submitters: Pathogenic (3). Last evaluated 2025-01-27.

Conditions:
Inosine triphosphatase deficiency. Also called: INOSINE TRIPHOSPHATE PYROPHOSPHOHYDROLASE DEFICIENCY. Identifiers: MedGen C0342800, MONDO:0013461, OMIM 613850.
Developmental and epileptic encephalopathy, 35 (DEE35). Also called: Epileptic encephalopathy, early infantile, 35. Identifiers: Orphanet 457375, MedGen C4225256, MONDO:0014719, OMIM 616647.

Allele frequency attached by ClinVar (database versions not stated): gnomAD exomes below 0.00001; TOPMed 0.00002.
gnomAD v4.1: 2 of 1,614,138 alleles (0.00012%); highest among the groups gnomAD compares: Admixed American, 0.0017%; no homozygotes.

Submissions (3):

Labcorp Genetics (formerly Invitae), Labcorp
Classification: Pathogenic for Inosine triphosphatase deficiency. Last evaluated: 2025-01-27. Review status: criteria provided, single submitter. Criteria: Invitae Variant Classification Sherloc (09022015). Collection method: clinical testing. Allele origin: germline.
Comment: This sequence change affects a donor splice site in intron 2 of the ITPA gene. It is expected to disrupt RNA splicing. Variants that disrupt the donor or acceptor splice site typically lead to a loss of protein function (PMID: 16199547), and loss-of-function variants in ITPA are known to be pathogenic (PMID: 26224535). This variant is present in population databases (no rsID available, gnomAD 0.003%). Disruption of this splice site has been observed in individuals with inosine triphosphate pyrophosphohydrolase (ITPase) deficiency (PMID: 33593863, 34989426). ClinVar contains an entry for this variant (Variation ID: 804162). Algorithms developed to predict the effect of sequence changes on RNA splicing suggest that this variant may disrupt the consensus splice site. For these reasons, this variant has been classified as Pathogenic.

Dasa
Classification: Pathogenic for Developmental and epileptic encephalopathy, 35. Last evaluated: 2022-02-05. Review status: criteria provided, single submitter. Criteria: ACMG Guidelines, 2015. Collection method: clinical testing. Allele origin: germline. Affected: yes. Observed: 1 variant allele.
Comment: The c.124+2T>C variant is located in a canonical splice-site, and it is predicted to alter gene function due to either exon skipping or nonsense-mediate decay – NMD, and the variant is present in a relevant exon to the transcript - PVS1. This sequence change has been observed in affected individual(s) and ClinVar contains an entry for this variant (Clinvar ID: 804162) - PS4_supporting. This variant is not present in population databases (rs1408254396; gnomAD; ABraOM no frequency) - PM2. In summary, the currently available evidence indicates that the variant is pathogenic.

Mendelics
Classification: Pathogenic for Inosine triphosphatase deficiency. Last evaluated: 2019-05-28. Review status: criteria provided, single submitter. Criteria: Mendelics Assertion Criteria 2017. Collection method: clinical testing. Allele origin: unknown.

Literature cited by the submitters: PubMed 16199547 (cited by Labcorp Genetics (formerly Invitae), Labcorp); PubMed 26224535 (cited by Labcorp Genetics (formerly Invitae), Labcorp); PubMed 33593863 (cited by Labcorp Genetics (formerly Invitae), Labcorp); PubMed 34989426 (cited by Labcorp Genetics (formerly Invitae), Labcorp).

NM_033453.4(ITPA):c.124+2T>C

Gene: ITPA (inosine triphosphatase; plus strand). Cytogenetic location: 20p13.
Variant type: single nucleotide variant.
Coding change: c.124+2T>C on transcript NM_033453.4 (MANE Select); the canonical splice donor site of the intron after coding-DNA position 124, T replaced by C.
Molecular consequence: splice donor variant. On other transcripts: intron variant (4).
Genome position (GRCh38, 1-based): chr20:3,213,228, T>C. VCF-style: chr20-3213228-T-C. GRCh37 (hg19) VCF-style: chr20-3193874-T-C.
Other names: c.-214+2T>C (NM_001324237.2); c.-274-30T>C (NM_001324238.2, NM_001324236.2, NM_001351739.2); c.124+2T>C (NM_001324240.2); c.67-757T>C (NM_001267623.2); c.73+2T>C (NM_181493.4).
Identifiers: ClinVar variation 804162 (VCV000804162.9), dbSNP rs1408254396, ClinGen allele CA408076855.